The following is an entry in ClinVar:

NM_016507.4(CDK12):c.3266C>G (p.Pro1089Arg)

Gene: CDK12 (cyclin dependent kinase 12; plus strand). Cytogenetic location: 17q12.
Variant type: single nucleotide variant.
Coding change: c.3266C>G on transcript NM_016507.4 (MANE Select); coding-DNA position 3266, C replaced by G.
Protein change: p.Pro1089Arg; replaces proline 1089 with arginine.
Molecular consequence: missense variant.
Genome position (GRCh38, 1-based): chr17:39,524,844, C>G. VCF-style: chr17-39524844-C-G. GRCh37 (hg19) VCF-style: chr17-37681097-C-G.
Other names: c.3266C>G, p.Pro1089Arg (NM_015083.4); short protein forms P1089R.
Identifiers: ClinVar variation 3830439 (VCV003830439.1).

ClinVar aggregate classification (germline): Uncertain significance (1 of 4 stars; one submission).

Submission:

Ambry Genetics
Classification: Uncertain significance. Last evaluated: 2025-01-02. Review status: criteria provided, single submitter. Criteria: Ambry Variant Classification Scheme 2023. Collection method: clinical testing. Allele origin: germline.
Comment: The p.P1089R variant (also known as c.3266C>G), located in coding exon 12 of the CDK12 gene, results from a C to G substitution at nucleotide position 3266. The proline at codon 1089 is replaced by arginine, an amino acid with dissimilar properties. This amino acid position is conserved. In addition, the in silico prediction for this alteration is inconclusive. Based on the available evidence, the clinical significance of this variant remains unclear.